The following is an entry in ClinVar:

NM_003995.4(NPR2):c.649A>T (p.Ile217Phe)

Gene: NPR2 (natriuretic peptide receptor 2; plus strand). Cytogenetic location: 9p13.3.
Variant type: single nucleotide variant.
Coding change: c.649A>T on transcript NM_003995.4 (MANE Select); coding-DNA position 649, A replaced by T.
Protein change: p.Ile217Phe; replaces isoleucine 217 with phenylalanine.
Molecular consequence: missense variant.
Genome position (GRCh38, 1-based): chr9:35,793,057, A>T. VCF-style: chr9-35793057-A-T. GRCh37 (hg19) VCF-style: chr9-35793054-A-T.
Other names: c.649A>T, p.Ile217Phe (NM_001378923.1); short protein forms I217F.
Identifiers: ClinVar variation 366780 (VCV000366780.16), dbSNP rs191155989, ClinGen allele CA5051478.

ClinVar aggregate classification (germline): Conflicting classifications of pathogenicity. Review status: criteria provided, conflicting classifications (1 of 4 stars). 3 submissions from 3 submitters: Uncertain significance (2); Likely benign (1). Last evaluated 2026-02-16.

Conditions:
Acromesomelic dysplasia 1, Maroteaux type (AMD1). Also called: ST. HELENA DYSPLASIA; ACROMESOMELIC DYSPLASIA 1. Identifiers: Orphanet 40, MedGen C1864356, MONDO:0011275, OMIM 602875.
Tall stature-scoliosis-macrodactyly of the great toes syndrome. Also called: Epiphyseal chondrodysplasia, miura type. Identifiers: Orphanet 329191, MedGen C4014690, MONDO:0014401, OMIM 615923.

Allele frequency attached by ClinVar (database versions not stated): gnomAD 0.00002 and 0.00003; gnomAD exomes 0.00004 and 0.00027; TOPMed 0.00010; ExAC 0.00027; 1000 Genomes Project 30x 0.00031; 1000 Genomes Project 0.00040.
gnomAD v4.1: 66 of 1,600,770 alleles (0.0041%); highest among the groups gnomAD compares: Admixed American, 0.11%; no homozygotes.

Submissions (3):

Women's Health and Genetics/Laboratory Corporation of America, LabCorp
Classification: Uncertain significance. Last evaluated: 2026-02-16. Review status: criteria provided, single submitter. Criteria: LabCorp Variant Classification Summary - May 2015. Collection method: clinical testing. Allele origin: germline.
Comment: Variant summary: NPR2 c.649A>T (p.Ile217Phe) results in a non-conservative amino acid change in the encoded protein sequence. Algorithms developed to predict the effect of missense changes on protein structure and function all suggest that this variant is likely to be disruptive. The variant allele was found at a frequency of 0.00027 in 237468 control chromosomes. This frequency is not significantly higher than estimated for disease-causing variants in NPR2, allowing no conclusion about variant significance. To our knowledge, no occurrence of c.649A>T in individuals affected with NPR2-related conditions and no experimental evidence demonstrating its impact on protein function have been reported. ClinVar contains an entry for this variant (Variation ID: 366780). Based on the evidence outlined above, the variant was classified as uncertain significance.

Labcorp Genetics (formerly Invitae), Labcorp
Classification: Likely benign for Tall stature-scoliosis-macrodactyly of the great toes syndrome; Acromesomelic dysplasia 1, Maroteaux type. Last evaluated: 2026-01-05. Review status: criteria provided, single submitter. Criteria: Invitae Variant Classification Sherloc (09022015). Collection method: clinical testing. Allele origin: germline.

Illumina Laboratory Services, Illumina
Classification: Uncertain significance for Acromesomelic dysplasia 1, Maroteaux type. Last evaluated: 2018-01-13. Review status: criteria provided, single submitter. Criteria: ICSL Variant Classification Criteria 13 December 2019. Collection method: clinical testing. Allele origin: germline.